The following is an entry in ClinVar:

NM_025000.4(DCAF17):c.930GAA[1] (p.Lys312del)

Gene: DCAF17 (DDB1 and CUL4 associated factor 17; plus strand). Cytogenetic location: 2q31.1.
Variant type: Microsatellite.
Coding change: c.930GAA[1] on transcript NM_025000.4 (MANE Select); one copy of the 3-base unit GAA starting at c.930; the reference has two copies in a row; one copy, 3 bases deleted.
Protein change: p.Lys312del; deletes lysine 312.
Molecular consequence: inframe deletion. On other transcripts: non-coding transcript variant (1).
Genome position (GRCh38, 1-based): chr2:171,468,982-171,468,984, GAA deleted; deleting any 3 consecutive bases within chr2:171,468,977-171,468,984 gives the same sequence; the position shown is the placement nearest the transcript's 3' end. VCF-style (leftmost placement, unchanged base first): chr2-171468976-TAAG-T. GRCh37 (hg19) VCF-style: chr2-172325486-TAAG-T.
Other names: c.930GAA[1], p.Lys312del (NM_001164821.2); short protein forms K312del.
Identifiers: ClinVar variation 1308302 (VCV001308302.2), dbSNP rs1559285049, ClinGen allele CA537702382.

ClinVar aggregate classification (germline): Uncertain significance (1 of 4 stars; one submission).

Submission:

GeneDx
Classification: Uncertain significance. Last evaluated: 2020-11-11. Review status: criteria provided, single submitter. Criteria: GeneDx Variant Classification Process June 2021. Collection method: clinical testing. Allele origin: germline. Affected: yes.
Comment: Reported in a patient with hypogonadotropic hypogonadism in the published literature; however, a second DCAF17 variant was not reported (Zhou et al., 2018); In-frame deletion of 1 amino acid in a non-repeat region; In silico analysis supports a deleterious effect on protein structure/function; Not observed at a significant frequency in large population cohorts (Lek et al., 2016); This variant is associated with the following publications: (PMID: 30098700, 31472064)